The following is an entry in ClinVar:

NM_000141.5(FGFR2):c.-46G>A

Gene: FGFR2 (fibroblast growth factor receptor 2; minus strand). Cytogenetic location: 10q26.13.
Variant type: single nucleotide variant.
Coding change: c.-46G>A on transcript NM_000141.5 (MANE Select); 46 bases upstream of the start codon, G replaced by A.
Molecular consequence: 5 prime UTR variant. On other transcripts: non-coding transcript variant (1).
Genome position (GRCh38, 1-based): chr10:121,593,863, C>T on the plus strand (G>A on the coding strand, the complement: FGFR2 is on the minus strand). VCF-style: chr10-121593863-C-T. GRCh37 (hg19) VCF-style: chr10-123353377-C-T.
Other names: c.-46G>A (NM_001144913.1, NM_001144914.1, NM_001144915.2 and 7 more transcripts).
Identifiers: ClinVar variation 299011 (VCV000299011.30), dbSNP rs201606812, ClinGen allele CA5721269.

ClinVar aggregate classification (germline): Benign/Likely benign. Review status: criteria provided, multiple submitters, no conflicts (2 of 4 stars). 7 submissions from 3 submitters: Benign (6); Likely benign (1). Last evaluated 2022-03-01.

Conditions:
Craniosynostosis syndrome. Also called: Craniosynostosis. Identifiers: Orphanet 1531, MedGen C0010278, MeSH D003398, MONDO:0015469, HP:0001363.
Isolated Coronal Synostosis. Identifiers: MedGen CN043619.
Beare-Stevenson cutis gyrata syndrome (BSTVS). Identifiers: Orphanet 1555, MedGen C1852406, MONDO:0007412, OMIM 123790.
Crouzon syndrome. Also called: Craniofacial dysostosis; CRANIOFACIAL DYSOSTOSIS, TYPE I; Craniofacial dysostosis type 1; Crouzon craniofacial dysostosis; Crouzon disease. Identifiers: Orphanet 207, MedGen C0010273, MeSH D003394, MONDO:0007405, OMIM 123500, HP:0004439.
Saethre-Chotzen syndrome (SCS). Also called: ACROCEPHALY, SKULL ASYMMETRY, AND MILD SYNDACTYLY; ACS III; CHOTZEN SYNDROME. Identifiers: Orphanet 794, MedGen C0175699, MONDO:0007042, OMIM 101400.

Allele frequency attached by ClinVar (database versions not stated): 1000 Genomes Project 30x 0.00078; 1000 Genomes Project 0.00100; ExAC 0.00134; ESP Exome Variant Server 0.00154; gnomAD exomes 0.00156 and 0.00179; gnomAD 0.00185 and 0.00193; TOPMed 0.00239.
gnomAD v4.1: 2,736 of 1,528,250 alleles (0.18%); highest among the groups gnomAD compares: Admixed American, 0.56%; 11 homozygotes.

Submissions (7):

CeGaT Center for Human Genetics Tuebingen
Classification: Benign. Last evaluated: 2022-03-01. Review status: criteria provided, single submitter. Criteria: CeGaT Center For Human Genetics Tuebingen Variant Classification Criteria Version 2. Collection method: clinical testing. Allele origin: germline. Affected: yes. Observed: 1 variant allele.
Comment: FGFR2: BS1, BS2

GeneDx
Classification: Benign. Last evaluated: 2018-05-22. Review status: criteria provided, single submitter. Criteria: GeneDx Variant Classification (06012015). Collection method: clinical testing. Allele origin: germline. Affected: yes.
Comment: This variant is considered likely benign or benign based on one or more of the following criteria: it is a conservative change, it occurs at a poorly conserved position in the protein, it is predicted to be benign by multiple in silico algorithms, and/or has population frequency not consistent with disease.

Illumina Laboratory Services, Illumina
Classification: Benign for Saethre-Chotzen syndrome. Last evaluated: 2018-01-12. Review status: criteria provided, single submitter. Criteria: ICSL Variant Classification Criteria 13 December 2019. Collection method: clinical testing. Allele origin: germline.
Comment: This variant was observed in the ICSL laboratory as part of a predisposition screen in an ostensibly healthy population. It had not been previously curated by ICSL or reported in the Human Gene Mutation Database (HGMD: prior to June 1st, 2018), and was therefore a candidate for classification through an automated scoring system. Utilizing variant allele frequency, disease prevalence and penetrance estimates, and inheritance mode, an automated score was calculated to assess if this variant is too frequent to cause the disease. Based on the score and internal cut-off values, a variant classified as benign is not then subjected to further curation. The score for this variant resulted in a classification of benign for this disease.

Illumina Laboratory Services, Illumina
Classification: Benign for Crouzon syndrome. Last evaluated: 2018-01-12. Review status: criteria provided, single submitter. Criteria: ICSL Variant Classification Criteria 13 December 2019. Collection method: clinical testing. Allele origin: germline.
Comment: the same text as in the submission from Illumina Laboratory Services, Illumina above.

Illumina Laboratory Services, Illumina
Classification: Benign for Craniosynostosis. Last evaluated: 2018-01-12. Review status: criteria provided, single submitter. Criteria: ICSL Variant Classification Criteria 13 December 2019. Collection method: clinical testing. Allele origin: germline.
Comment: the same text as in the submission from Illumina Laboratory Services, Illumina above.

Illumina Laboratory Services, Illumina
Classification: Likely benign for Isolated coronal synostosis. Last evaluated: 2018-01-12. Review status: criteria provided, single submitter. Criteria: ICSL Variant Classification Criteria 13 December 2019. Collection method: clinical testing. Allele origin: germline.
Comment: This variant was observed in the ICSL laboratory as part of a predisposition screen in an ostensibly healthy population. It had not been previously curated by ICSL or reported in the Human Gene Mutation Database (HGMD: prior to June 1st, 2018), and was therefore a candidate for classification through an automated scoring system. Utilizing variant allele frequency, disease prevalence and penetrance estimates, and inheritance mode, an automated score was calculated to assess if this variant is too frequent to cause the disease. Based on the score and internal cut-off values, a variant classified as likely benign is not then subjected to further curation. The score for this variant resulted in a classification of likely benign for this disease.

Illumina Laboratory Services, Illumina
Classification: Benign for Beare-Stevenson cutis gyrata syndrome. Last evaluated: 2018-01-12. Review status: criteria provided, single submitter. Criteria: ICSL Variant Classification Criteria 13 December 2019. Collection method: clinical testing. Allele origin: germline.
Comment: the same text as in the submission from Illumina Laboratory Services, Illumina above.